The following is an entry in ClinVar:

NM_032656.4(DHX37):c.831C>T (p.Thr277=)

Gene: DHX37 (DEAH-box helicase 37; minus strand). Cytogenetic location: 12q24.31.
Variant type: single nucleotide variant.
Coding change: c.831C>T on transcript NM_032656.4 (MANE Select); coding-DNA position 831, C replaced by T.
Protein change: p.Thr277=; no amino-acid change (threonine 277 retained).
Molecular consequence: synonymous variant.
Genome position (GRCh38, 1-based): chr12:124,977,398, G>A on the plus strand (C>T on the coding strand, the complement: DHX37 is on the minus strand). VCF-style: chr12-124977398-G-A. GRCh37 (hg19) VCF-style: chr12-125461944-G-A.
Identifiers: ClinVar variation 733758 (VCV000733758.11), dbSNP rs77275085, ClinGen allele CA6872328.
Genomic context (GRCh38, chr12:124,977,398, plus strand): 5'-CTACCTGCTGAAGCCTGCTTCATAGAGAAACTGAGGCACCTGTGTGGTCTTCCCGCTGCC[G>A]GTCTCACCACACACGATGACGATGGGGTGCTCGGCCACAGCCTCCATGATTACTTGTTCT-3'
Protein context (NP_116045.2, residues 267-287): EHPIVIVCGE[Thr277=]GSGKTTQVPQ

ClinVar aggregate classification (germline): Benign. Review status: criteria provided, multiple submitters, no conflicts (2 of 4 stars). 3 submissions from 3 submitters: Benign (2). 1 of the submissions does not count toward it. Last evaluated 2026-01-05.

Conditions:
DHX37-related disorder. Also called: DHX37-related condition; DHX37-Related Disorders.

Allele frequency attached by ClinVar (database versions not stated): gnomAD exomes 0.00062 and 0.00153; ExAC 0.00194; 1000 Genomes Project 0.00419; 1000 Genomes Project 30x 0.00453; gnomAD 0.00579 and 0.00631; ESP Exome Variant Server 0.00638; TOPMed 0.00701.
gnomAD v4.1: 1,808 of 1,608,740 alleles (0.11%); highest among the groups gnomAD compares: African/African-American, 2%; 24 homozygotes.

Submissions (3):

Labcorp Genetics (formerly Invitae), Labcorp
Classification: Benign. Last evaluated: 2026-01-05. Review status: criteria provided, single submitter. Criteria: Invitae Variant Classification Sherloc (09022015). Collection method: clinical testing. Allele origin: germline.

Breakthrough Genomics
Classification: Benign. Review status: criteria provided, single submitter. Criteria: ACMG Guidelines, 2015. Collection method: not provided. Allele origin: germline. Inheritance: Autosomal recessive inheritance. Affected: yes.

PreventionGenetics, part of Exact Sciences
Classification: Benign for DHX37-related condition. Last evaluated: 2019-12-23. Review status: no assertion criteria provided. Collection method: clinical testing. Allele origin: germline. Not counted in ClinVar's aggregate classification.
Comment: This variant is classified as benign based on ACMG/AMP sequence variant interpretation guidelines (Richards et al. 2015 PMID: 25741868, with internal and published modifications).